The following is an entry in ClinVar:

NM_000138.5(FBN1):c.5571del (p.Asn1858fs)

Gene: FBN1 (fibrillin 1; minus strand). Cytogenetic location: 15q21.1.
Variant type: Deletion.
Coding change: c.5571del on transcript NM_000138.5 (MANE Select); coding-DNA position 5571, one base deleted (C; older notation c.5571delC).
Protein change: p.Asn1858fs; shifts the reading frame from asparagine 1858.
Molecular consequence: frameshift variant.
Genome position (GRCh38, 1-based): chr15:48,448,868, G deleted on the plus strand (C on the coding strand, the reverse complement: FBN1 is on the minus strand); the first of 4 consecutive G bases (chr15:48,448,868-48,448,871); deleting any one gives the same sequence. VCF-style (leftmost placement, unchanged base first): chr15-48448867-TG-T. GRCh37 (hg19) VCF-style: chr15-48741064-TG-T.
Other names: c.5571delC (NM_000138.4); short protein forms N1858fs.
Identifiers: ClinVar variation 641710 (VCV000641710.8), dbSNP rs1597535305, ClinGen allele CA915945987.

ClinVar aggregate classification (germline): Pathogenic (1 of 4 stars; one submission).

Conditions:
Familial thoracic aortic aneurysm and aortic dissection (TAAD). Also called: Thoracic aortic aneurysms and dissections. Identifiers: Orphanet 91387, MedGen C4707243, MONDO:0019625.
Marfan syndrome (MFS). Also called: FBN1-Related Marfan Syndrome; Marfan syndrome type 1; Marfan's syndrome; Marfan syndrome, classic; MARFAN SYNDROME, TYPE I. Identifiers: Orphanet 284963, Orphanet 558, MedGen C0024796, MONDO:0007947, OMIM 154700.

Submission:

Labcorp Genetics (formerly Invitae), Labcorp
Classification: Pathogenic for Marfan syndrome; Familial thoracic aortic aneurysm and aortic dissection. Last evaluated: 2020-07-15. Review status: criteria provided, single submitter. Criteria: Invitae Variant Classification Sherloc (09022015). Collection method: clinical testing. Allele origin: germline.
Comment: This variant has not been reported in the literature in individuals with FBN1-related disease. This sequence change creates a premature translational stop signal (p.Asn1858Ilefs*35) in the FBN1 gene. It is expected to result in an absent or disrupted protein product. This variant is not present in population databases (ExAC no frequency). Loss-of-function variants in FBN1 are known to be pathogenic (PMID: 17657824, 19293843). For these reasons, this variant has been classified as Pathogenic.

Literature cited by the submitters: PubMed 17657824; PubMed 19293843.